The following is an entry in ClinVar:

NM_000996.4(RPL35A):c.95G>T (p.Gly32Val)

Genes: DRC9 (dynein regulatory complex subunit 9; minus strand), RPL35A (ribosomal protein L35a; plus strand). Cytogenetic location: 3q29.
Variant type: single nucleotide variant.
Coding change: c.95G>T on transcript NM_000996.4 (MANE Select); coding-DNA position 95, G replaced by T.
Protein change: p.Gly32Val; replaces glycine 32 with valine.
Molecular consequence: missense variant. On other transcripts: intron variant (3).
Genome position (GRCh38, 1-based): chr3:197,951,242, G>T. VCF-style: chr3-197951242-G-T. GRCh37 (hg19) VCF-style: chr3-197678113-G-T.
Other names: c.95G>T, p.Gly32Val (NM_001316311.2); c.-49-7191C>A (NM_001323028.2); c.-59-5556C>A (NM_032263.5); c.-374-5556C>A (NM_001323029.2); short protein forms G32V.
Identifiers: ClinVar variation 3696680 (VCV003696680.2).

ClinVar aggregate classification (germline): Uncertain significance (1 of 4 stars; one submission).

Conditions:
Diamond-Blackfan anemia 5 (DBA5). Also called: RPL35A-Related Diamond-Blackfan Anemia. Identifiers: Orphanet 124, MedGen C2675859, MONDO:0012925, OMIM 612528.

Submission:

Labcorp Genetics (formerly Invitae), Labcorp
Classification: Uncertain significance for Diamond-Blackfan anemia 5. Last evaluated: 2024-09-05. Review status: criteria provided, single submitter. Criteria: Invitae Variant Classification Sherloc (09022015). Collection method: clinical testing. Allele origin: germline.
Comment: This sequence change replaces glycine, which is neutral and non-polar, with valine, which is neutral and non-polar, at codon 32 of the RPL35A protein (p.Gly32Val). This variant is not present in population databases (gnomAD no frequency). This variant has not been reported in the literature in individuals affected with RPL35A-related conditions. An algorithm developed to predict the effect of missense changes on protein structure and function (PolyPhen-2) suggests that this variant is likely to be disruptive. In summary, the available evidence is currently insufficient to determine the role of this variant in disease. Therefore, it has been classified as a Variant of Uncertain Significance.